The following is an entry in ClinVar:

ClinVar aggregate classification (germline): Benign. Review status: criteria provided, multiple submitters, no conflicts (2 of 4 stars). 3 submissions from 3 submitters: Benign (2). 1 of the submissions does not count toward it. Last evaluated 2018-06-13.

Conditions:
Usher syndrome type 1B (USH1B). Also called: Usher syndrome type IB. Identifiers: MedGen C1848638, MONDO:0700087.

Allele frequency attached by ClinVar (database versions not stated): 1000 Genomes Project 0.52496; 1000 Genomes Project 30x 0.53045; TOPMed 0.56807; gnomAD 0.56924 and 0.57823.
gnomAD v4.1: 831,530 of 1,507,196 alleles (55%); highest among the groups gnomAD compares: Admixed American, 64%; 231,744 homozygotes.

Submissions (3):

GeneDx
Classification: Benign. Last evaluated: 2018-06-13. Review status: criteria provided, single submitter. Criteria: GeneDx Variant Classification (06012015). Collection method: clinical testing. Allele origin: germline. Affected: yes.
Comment: This variant is considered likely benign or benign based on one or more of the following criteria: it is a conservative change, it occurs at a poorly conserved position in the protein, it is predicted to be benign by multiple in silico algorithms, and/or has population frequency not consistent with disease.

Breakthrough Genomics
Classification: Benign. Review status: criteria provided, single submitter. Criteria: ACMG Guidelines, 2015. Collection method: not provided. Allele origin: germline. Inheritance: Autosomal recessive inheritance. Affected: yes.

Natera, Inc.
Classification: Benign for Usher syndrome type 1B. Last evaluated: 2020-09-16. Review status: no assertion criteria provided. Collection method: clinical testing. Allele origin: germline. Not counted in ClinVar's aggregate classification.

NM_000260.4(MYO7A):c.3109-68G>A

Gene: MYO7A (myosin VIIA; plus strand). Cytogenetic location: 11q13.5.
Variant type: single nucleotide variant.
Coding change: c.3109-68G>A on transcript NM_000260.4 (MANE Select); 68 bases into the intron before coding-DNA position 3109, G replaced by A.
Molecular consequence: intron variant.
Genome position (GRCh38, 1-based): chr11:77,182,356, G>A. VCF-style: chr11-77182356-G-A. GRCh37 (hg19) VCF-style: chr11-76893401-G-A.
Other names: c.3076-68G>A (NM_001369365.1); c.3109-68G>A (NM_001127180.2).
Identifiers: ClinVar variation 678829 (VCV000678829.3), dbSNP rs2276287, ClinGen allele CA224841881.
Genomic context (GRCh38, chr11:77,182,356, plus strand): 5'-GGTGCCCAGCCTGAGGGCTGACCATGCGGGAGGGGGTGTCTCCAGCCCACTCCCCAAACC[G>A]CCAGGTCATTTTGACAGCTTTAGCAATGTCCTCCGCTCTGGCCTCTGACATGCGCGCTCT-3'